The following is an entry in ClinVar:

ClinVar aggregate classification (germline): Uncertain significance (1 of 4 stars; one submission).

gnomAD v4.1: 4 of 1,613,734 alleles (0.00025%); highest among the groups gnomAD compares: African/African-American, 0.0027%; no homozygotes.

Submission:

GeneDx
Classification: Uncertain significance. Last evaluated: 2025-12-05. Review status: criteria provided, single submitter. Criteria: GeneDx Variant Classification Process June 2021. Collection method: clinical testing. Allele origin: germline.
Comment: Not observed at significant frequency in large population cohorts (gnomAD); In silico analysis suggests that this missense variant does not alter protein structure/function; Has not been previously published as pathogenic or benign to our knowledge

NM_001378120.1(MBD5):c.726C>A (p.Asp242Glu)

Gene: MBD5 (methyl-CpG binding domain protein 5; plus strand). Cytogenetic location: 2q23.1.
Variant type: single nucleotide variant.
Coding change: c.726C>A on transcript NM_001378120.1 (MANE Select); coding-DNA position 726, C replaced by A.
Protein change: p.Asp242Glu; replaces aspartic acid 242 with glutamic acid.
Molecular consequence: missense variant.
Genome position (GRCh38, 1-based): chr2:148,468,669, C>A. VCF-style: chr2-148468669-C-A. GRCh37 (hg19) VCF-style: chr2-149226238-C-A.
Other names: c.726C>A, p.Asp242Glu (NM_018328.5); short protein forms D242E.
Identifiers: ClinVar variation 3381459 (VCV003381459.2).